The following is an entry in ClinVar:

ClinVar aggregate classification (germline): Uncertain significance (1 of 4 stars; one submission).

Conditions:
Familial Mediterranean fever (FMF). Also called: POLYSEROSITIS, FAMILIAL PAROXYSMAL; POLYSEROSITIS, RECURRENT; Periodic peritonitis; Benign paroxysmal peritonitis. Identifiers: Orphanet 342, MedGen C0031069, MONDO:0018088, OMIM 249100. Disease mechanism: gain of function.

Submission:

Labcorp Genetics (formerly Invitae), Labcorp
Classification: Uncertain significance for Familial Mediterranean fever. Last evaluated: 2025-12-30. Review status: criteria provided, single submitter. Criteria: Invitae Variant Classification Sherloc (09022015). Collection method: clinical testing. Allele origin: germline.
Comment: This sequence change replaces aspartic acid, which is acidic and polar, with alanine, which is neutral and non-polar, at codon 122 of the MEFV protein (p.Asp122Ala). This variant is not present in population databases (gnomAD no frequency). This variant has not been reported in the literature in individuals affected with MEFV-related conditions. An algorithm developed to predict the effect of missense changes on protein structure and function (PolyPhen-2) suggests that this variant is likely to be tolerated. In summary, the available evidence is currently insufficient to determine the role of this variant in disease. Therefore, it has been classified as a Variant of Uncertain Significance.

NM_000243.3(MEFV):c.365A>C (p.Asp122Ala)

Gene: MEFV (MEFV innate immunity regulator, pyrin; minus strand). Cytogenetic location: 16p13.3.
Variant type: single nucleotide variant.
Coding change: c.365A>C on transcript NM_000243.3 (MANE Select); coding-DNA position 365, A replaced by C.
Protein change: p.Asp122Ala; replaces aspartic acid 122 with alanine.
Molecular consequence: missense variant. On other transcripts: intron variant (1).
Genome position (GRCh38, 1-based): chr16:3,254,703, T>G on the plus strand (A>C on the coding strand, the complement: MEFV is on the minus strand). VCF-style: chr16-3254703-T-G. GRCh37 (hg19) VCF-style: chr16-3304703-T-G.
Other names: c.277+1608A>C (NM_001198536.2); short protein forms D122A.
Identifiers: ClinVar variation 4806276 (VCV004806276.1).